The following is an entry in ClinVar:

ClinVar aggregate classification (germline): Likely benign. Review status: criteria provided, multiple submitters, no conflicts (2 of 4 stars). 2 submissions from 2 submitters: Likely benign (2). Last evaluated 2025-12-08.

Conditions:
Neuronopathy, distal hereditary motor, autosomal recessive 4. Also called: NEUROPATHY, DISTAL HEREDITARY MOTOR, AUTOSOMAL RECESSIVE 4; Autosomal recessive lower motor neuron disease with childhood onset. Identifiers: Orphanet 206580, MedGen C1970211, MONDO:0012608, OMIM 611067.
Charcot-Marie-Tooth disease recessive intermediate C. Also called: CHARCOT-MARIE-TOOTH NEUROPATHY, RECESSIVE INTERMEDIATE C. Identifiers: Orphanet 369867, MedGen C3809309, MONDO:0014154, OMIM 615376.

Allele frequency attached by ClinVar (database versions not stated): TOPMed 0.00003; gnomAD 0.00004; ESP Exome Variant Server 0.00008; 1000 Genomes Project 30x 0.00031; 1000 Genomes Project 0.00040.
gnomAD v4.1: 58 of 1,613,714 alleles (0.0036%); highest among the groups gnomAD compares: East Asian, 0.053%; no homozygotes.

Submissions (2):

Labcorp Genetics (formerly Invitae), Labcorp
Classification: Likely benign for Neuronopathy, distal hereditary motor, autosomal recessive 4; Charcot-Marie-Tooth disease recessive intermediate C. Last evaluated: 2025-12-08. Review status: criteria provided, single submitter. Criteria: Invitae Variant Classification Sherloc (09022015). Collection method: clinical testing. Allele origin: germline.

GeneDx
Classification: Likely benign. Last evaluated: 2018-04-11. Review status: criteria provided, single submitter. Criteria: GeneDx Variant Classification (06012015). Collection method: clinical testing. Allele origin: germline. Affected: yes.
Comment: This variant is considered likely benign or benign based on one or more of the following criteria: it is a conservative change, it occurs at a poorly conserved position in the protein, it is predicted to be benign by multiple in silico algorithms, and/or has population frequency not consistent with disease.

NM_020631.6(PLEKHG5):c.84G>A (p.Pro28=)

Gene: PLEKHG5 (pleckstrin homology and RhoGEF domain containing G5; minus strand). Cytogenetic location: 1p36.31.
Variant type: single nucleotide variant.
Coding change: c.84G>A on transcript NM_020631.6 (MANE Select); coding-DNA position 84, G replaced by A.
Protein change: p.Pro28=; no amino-acid change (proline 28 retained).
Molecular consequence: synonymous variant.
Genome position (GRCh38, 1-based): chr1:6,475,996, C>T on the plus strand (G>A on the coding strand, the complement: PLEKHG5 is on the minus strand). VCF-style: chr1-6475996-C-T. GRCh37 (hg19) VCF-style: chr1-6536056-C-T.
Other names: c.195G>A, p.Pro65= (NM_001042663.3, NM_001265592.2); c.84G>A, p.Pro28= (NM_001042664.2, NM_001042665.2, NM_001265594.3 and 1 more transcripts); c.291G>A, p.Pro97= (NM_001265593.2).
Identifiers: ClinVar variation 681851 (VCV000681851.9), dbSNP rs140428005, ClinGen allele CA561998.
Genomic context (GRCh38, chr1:6,475,996, plus strand): 5'-GCCATCCACAGAGCTCTCCTCCTCCTCCTCCTCCAAGTCCACTGCGGGGCTGGTGCGCGG[C>T]GGGCATGACCGGGTGGACACGTTCCGGGCCAGCACAGAGCCTTGGGAGAAAGCAGGAGAG-3'
Protein context (NP_065682.2, residues 18-38): LARNVSTRSC[Pro28=]PRTSPAVDLE